The following is an entry in ClinVar:

ClinVar aggregate classification (germline): Pathogenic. Review status: criteria provided, multiple submitters, no conflicts (2 of 4 stars). 2 submissions from 2 submitters: Pathogenic (2). Last evaluated 2026-03-14.

Conditions:
Nemaline myopathy 2 (NEM2). Also called: Nemaline myopathy 2, autosomal recessive. Identifiers: MedGen C1850569, MONDO:0009725, OMIM 256030.

Submissions (2):

Myriad Genetics, Inc.
Classification: Pathogenic for Nemaline myopathy 2. Last evaluated: 2026-03-14. Review status: criteria provided, single submitter. Criteria: Myriad Autosomal Dominant, Autosomal Recessive and X-Linked Classification Criteria (2023). Collection method: clinical testing. Allele origin: unknown.
Comment: NM_001271208.1(NEB):c.2921_2924delGAGC(R974Lfs*82) is expected to be pathogenic in the context of NEB-related nemaline myopathy. This variant is predicted to lead to an abnormal or absent protein product due to the creation of a premature termination codon in NEB, a gene where loss-of-function variants are known to be pathogenic. Please note: this variant was assessed in the context of healthy population screening.

Labcorp Genetics (formerly Invitae), Labcorp
Classification: Pathogenic for Nemaline myopathy 2. Last evaluated: 2022-01-18. Review status: criteria provided, single submitter. Criteria: Invitae Variant Classification Sherloc (09022015). Collection method: clinical testing. Allele origin: germline.
Comment: For these reasons, this variant has been classified as Pathogenic. This variant has not been reported in the literature in individuals affected with NEB-related conditions. This variant is not present in population databases (gnomAD no frequency). This sequence change creates a premature translational stop signal (p.Arg974Leufs*82) in the NEB gene. It is expected to result in an absent or disrupted protein product. Loss-of-function variants in NEB are known to be pathogenic (PMID: 25205138).

Literature cited by the submitters: PubMed 25205138 (cited by Labcorp Genetics (formerly Invitae), Labcorp).

NM_001164508.2(NEB):c.2921_2924del (p.Arg974fs)

Gene: NEB (nebulin; minus strand). Cytogenetic location: 2q23.3.
Variant type: Deletion.
Coding change: c.2921_2924del on transcript NM_001164508.2 (MANE Select); coding-DNA positions 2921 to 2924, 4 bases deleted (GAGC; older notation c.2921_2924delGAGC).
Protein change: p.Arg974fs; shifts the reading frame from arginine 974.
Molecular consequence: frameshift variant.
Genome position (GRCh38, 1-based): chr2:151,682,681-151,682,684, GCTC deleted on the plus strand (GAGC on the coding strand, the reverse complement: NEB is on the minus strand); deleting any 4 consecutive bases within chr2:151,682,681-151,682,687 gives the same sequence; the c. name uses the placement nearest the transcript's 3' end. VCF-style (leftmost placement, unchanged base first): chr2-151682680-AGCTC-A. GRCh37 (hg19) VCF-style: chr2-152539194-AGCTC-A.
Other names: c.2921_2924del, p.Arg974fs (NM_001164507.2, NM_001271208.2, NM_004543.5); short protein forms R974fs.
Identifiers: ClinVar variation 2087432 (VCV002087432.5), dbSNP rs2552264560, ClinGen allele CA2580064044.